The following is an entry in ClinVar:

NM_017617.5(NOTCH1):c.4548C>T (p.Phe1516=)

Gene: NOTCH1 (notch receptor 1; minus strand). Cytogenetic location: 9q34.3.
Variant type: single nucleotide variant.
Coding change: c.4548C>T on transcript NM_017617.5 (MANE Select); coding-DNA position 4548, C replaced by T.
Protein change: p.Phe1516=; no amino-acid change (phenylalanine 1516 retained).
Molecular consequence: synonymous variant.
Genome position (GRCh38, 1-based): chr9:136,505,348, G>A on the plus strand (C>T on the coding strand, the complement: NOTCH1 is on the minus strand). VCF-style: chr9-136505348-G-A. GRCh37 (hg19) VCF-style: chr9-139399800-G-A.
Other names: c.4548C>T, p.Phe1516= (LRG_1122t1); c.4548C>T (NM_017617.4).
Identifiers: ClinVar variation 520034 (VCV000520034.23), dbSNP rs199740882, ClinGen allele CA5340597.

ClinVar aggregate classification (germline): Benign/Likely benign. Review status: criteria provided, multiple submitters, no conflicts (2 of 4 stars). 8 submissions from 7 submitters: Benign (4); Likely benign (3). 1 of the submissions does not count toward it. Last evaluated 2026-01-18.

Conditions:
NOTCH1-related disorder. Also called: NOTCH1-related condition; NOTCH1-related disorders.
Familial thoracic aortic aneurysm and aortic dissection (TAAD). Also called: Thoracic aortic aneurysms and dissections. Identifiers: Orphanet 91387, MedGen C4707243, MONDO:0019625.
Adams-Oliver syndrome 5 (AOS5). Identifiers: Orphanet 974, MedGen C4014970, MONDO:0014459, OMIM 616028.
Aortic valve disease 1 (AOVD1). Identifiers: MedGen C3887892, MONDO:0024523, OMIM 109730.

Allele frequency attached by ClinVar (database versions not stated): 1000 Genomes Project 30x 0.00016; 1000 Genomes Project 0.00020; ESP Exome Variant Server 0.00023; gnomAD 0.00025 and 0.00029; TOPMed 0.00033.
gnomAD v4.1: 81 of 1,603,772 alleles (0.0051%); highest among the groups gnomAD compares: African/African-American, 0.084%; no homozygotes.

Submissions (8):

Labcorp Genetics (formerly Invitae), Labcorp
Classification: Benign for Adams-Oliver syndrome 5. Last evaluated: 2026-01-18. Review status: criteria provided, single submitter. Criteria: Invitae Variant Classification Sherloc (09022015). Collection method: clinical testing. Allele origin: germline.

Blueprint Genetics
Classification: Likely benign. Last evaluated: 2024-03-21. Review status: criteria provided, single submitter. Criteria: ACMG Guidelines, 2015. Collection method: clinical testing. Allele origin: germline.

Women's Health and Genetics/Laboratory Corporation of America, LabCorp
Classification: Benign. Last evaluated: 2023-08-11. Review status: criteria provided, single submitter. Criteria: LabCorp Variant Classification Summary - May 2015. Collection method: clinical testing. Allele origin: germline.

Genome-Nilou Lab
Classification: Benign for Adams-Oliver syndrome 5. Last evaluated: 2022-03-15. Review status: criteria provided, single submitter. Criteria: ACMG Guidelines, 2015. Collection method: clinical testing. Allele origin: germline. Affected: no.

Genome-Nilou Lab
Classification: Benign for Aortic valve disease 1. Last evaluated: 2022-03-15. Review status: criteria provided, single submitter. Criteria: ACMG Guidelines, 2015. Collection method: clinical testing. Allele origin: germline. Affected: no.

GeneDx
Classification: Likely benign. Last evaluated: 2021-06-07. Review status: criteria provided, single submitter. Criteria: GeneDx Variant Classification Process June 2021. Collection method: clinical testing. Allele origin: germline. Affected: yes.

Ambry Genetics
Classification: Likely benign for Familial thoracic aortic aneurysm and aortic dissection. Last evaluated: 2016-02-05. Review status: criteria provided, single submitter. Criteria: Ambry Variant Classification Scheme 2023. Collection method: clinical testing. Allele origin: germline.

PreventionGenetics, part of Exact Sciences
Classification: Likely benign for NOTCH1-related condition. Last evaluated: 2022-05-11. Review status: no assertion criteria provided. Collection method: clinical testing. Allele origin: germline. Not counted in ClinVar's aggregate classification.
Comment: This variant is classified as likely benign based on ACMG/AMP sequence variant interpretation guidelines (Richards et al. 2015 PMID: 25741868, with internal and published modifications).

Literature cited by the submitters: PubMed 24943832 (cited by Women's Health and Genetics/Laboratory Corporation of America, LabCorp); PubMed 16614245 (cited by Women's Health and Genetics/Laboratory Corporation of America, LabCorp); PubMed 21670202 (cited by Women's Health and Genetics/Laboratory Corporation of America, LabCorp); PubMed 22210878 (cited by Women's Health and Genetics/Laboratory Corporation of America, LabCorp); PubMed 19635999 (cited by Women's Health and Genetics/Laboratory Corporation of America, LabCorp); PubMed 26837699 (cited by Women's Health and Genetics/Laboratory Corporation of America, LabCorp); PubMed 23086750 (cited by Women's Health and Genetics/Laboratory Corporation of America, LabCorp); PubMed 19245433 (cited by Women's Health and Genetics/Laboratory Corporation of America, LabCorp); PubMed 22077063 (cited by Women's Health and Genetics/Laboratory Corporation of America, LabCorp); PubMed 15472075 (cited by Women's Health and Genetics/Laboratory Corporation of America, LabCorp); PubMed 23734977 (cited by Women's Health and Genetics/Laboratory Corporation of America, LabCorp); PubMed 22858860 (cited by Women's Health and Genetics/Laboratory Corporation of America, LabCorp).